The following is an entry in ClinVar:

ClinVar aggregate classification (germline): Benign/Likely benign. Review status: criteria provided, multiple submitters, no conflicts (2 of 4 stars). 4 submissions from 4 submitters: Benign (1); Likely benign (3). Last evaluated 2024-07-08.

Conditions:
Oligodontia-cancer predisposition syndrome. Also called: TOOTH AGENESIS-COLORECTAL CANCER SYNDROME. Identifiers: Orphanet 300576, MedGen C1837750, MONDO:0012075, OMIM 608615. Disease mechanism: loss of function.
Hereditary cancer-predisposing syndrome. Also called: Hereditary Cancer Syndrome; Neoplastic Syndromes, Hereditary; Tumor predisposition; Hereditary neoplastic syndrome. Identifiers: Orphanet 140162, MedGen C0027672, MeSH D009386, MONDO:0015356.

Allele frequency attached by ClinVar (database versions not stated): gnomAD exomes below 0.00001.
gnomAD v4.1: 1 of 1,609,274 alleles (0.000062%); highest among the groups gnomAD compares: Non-Finnish European, 0.000085%; no homozygotes.

Submissions (4):

Myriad Genetics, Inc.
Classification: Benign for Oligodontia-cancer predisposition syndrome. Last evaluated: 2024-07-08. Review status: criteria provided, single submitter. Criteria: Myriad Autosomal Dominant, Autosomal Recessive and X-Linked Classification Criteria (2023). Collection method: clinical testing. Allele origin: unknown.
Comment: This variant is considered benign. This variant is a silent/synonymous amino acid change and it is not expected to impact splicing.

Labcorp Genetics (formerly Invitae), Labcorp
Classification: Likely benign for Oligodontia-cancer predisposition syndrome. Last evaluated: 2023-03-14. Review status: criteria provided, single submitter. Criteria: Invitae Variant Classification Sherloc (09022015). Collection method: clinical testing. Allele origin: germline.

Ambry Genetics
Classification: Likely benign for Hereditary cancer-predisposing syndrome. Last evaluated: 2022-04-22. Review status: criteria provided, single submitter. Criteria: Ambry Variant Classification Scheme 2023. Collection method: clinical testing. Allele origin: germline.

GeneDx
Classification: Likely benign. Last evaluated: 2018-01-03. Review status: criteria provided, single submitter. Criteria: GeneDx Variant Classification (06012015). Collection method: clinical testing. Allele origin: germline. Affected: yes.
Comment: This variant is considered likely benign or benign based on one or more of the following criteria: it is a conservative change, it occurs at a poorly conserved position in the protein, it is predicted to be benign by multiple in silico algorithms, and/or has population frequency not consistent with disease.

NM_004655.4(AXIN2):c.1746T>C (p.Asn582=)

Gene: AXIN2 (axin 2; minus strand). Cytogenetic location: 17q24.1.
Variant type: single nucleotide variant.
Coding change: c.1746T>C on transcript NM_004655.4 (MANE Select); coding-DNA position 1746, T replaced by C.
Protein change: p.Asn582=; no amino-acid change (asparagine 582 retained).
Molecular consequence: synonymous variant. On other transcripts: intron variant (1).
Genome position (GRCh38, 1-based): chr17:65,537,030, A>G on the plus strand (T>C on the coding strand, the complement: AXIN2 is on the minus strand). VCF-style: chr17-65537030-A-G. GRCh37 (hg19) VCF-style: chr17-63533148-A-G.
Other names: c.1746T>C (LRG_296t1); c.1712+294T>C (NM_001363813.1).
Identifiers: ClinVar variation 514573 (VCV000514573.12), dbSNP rs1555577456, ClinGen allele CA501691175.